The following is an entry in ClinVar:

ClinVar aggregate classification (germline): Conflicting classifications of pathogenicity. Review status: criteria provided, conflicting classifications (1 of 4 stars). 3 submissions from 3 submitters: Uncertain significance (2); Likely benign (1). Last evaluated 2025-06-24.

Conditions:
Catecholaminergic polymorphic ventricular tachycardia 1. Also called: VENTRICULAR TACHYCARDIA, STRESS-INDUCED POLYMORPHIC 1; RYR2-Related Catecholaminergic Polymorphic Ventricular Tachycardia; VENTRICULAR TACHYCARDIA, CATECHOLAMINERGIC POLYMORPHIC, 1, WITH OR WITHOUT ATRIAL DYSFUNCTION AND/OR DILATED CARDIOMYOPATHY. Identifiers: Orphanet 3286, MedGen C1631597, MONDO:0011484, OMIM 604772.
Catecholaminergic polymorphic ventricular tachycardia (CVPT). Also called: Catecholamine-induced polymorphic ventricular tachycardia. Identifiers: Orphanet 3286, MedGen C5574922, MONDO:0017990.

Allele frequency attached by ClinVar (database versions not stated): ExAC 0.00001; gnomAD 0.00001; TOPMed 0.00002; ESP Exome Variant Server 0.00008.
gnomAD v4.1: 3 of 1,613,456 alleles (0.00019%); highest among the groups gnomAD compares: African/African-American, 0.0027%; no homozygotes.

Submissions (3):

GeneDx
Classification: Uncertain significance. Last evaluated: 2025-06-24. Review status: criteria provided, single submitter. Criteria: GeneDx Variant Classification Process June 2021. Collection method: clinical testing. Allele origin: germline. Affected: yes.
Comment: Not observed at significant frequency in large population cohorts (gnomAD); In silico analysis suggests that this missense variant does not alter protein structure/function; Has not been previously published as pathogenic or benign to our knowledge; Located in one of the three hot-spot regions of the RYR2 gene, where the majority of pathogenic missense variants occur (PMID: 19926015); This variant is associated with the following publications: (PMID: 19926015)

All of Us Research Program, National Institutes of Health
Classification: Uncertain significance for Catecholaminergic polymorphic ventricular tachycardia. Last evaluated: 2024-02-22. Review status: criteria provided, single submitter. Criteria: ACMG Guidelines, 2015. Collection method: clinical testing. Allele origin: germline. Inheritance: Autosomal dominant inheritance. Observed: 1 variant allele, 1 heterozygote.
Comment: This missense variant replaces alanine with valine at codon 4216 of the RYR2 protein. Computational prediction suggests that this variant may not impact protein structure and function (internally defined REVEL score threshold <= 0.5, PMID: 27666373). To our knowledge, functional studies have not been reported for this variant. This variant has not been reported in individuals affected with RYR2-related disorders in the literature. This variant has been identified in 1/248598 chromosomes in the general population by the Genome Aggregation Database (gnomAD). The available evidence is insufficient to determine the role of this variant in disease conclusively. Therefore, this variant is classified as a Variant of Uncertain Significance.

This study involves interpretation of variants in research participants for the purpose of population health screening. Participant phenotype was not available at the time of variant classification. Additional details can be found in publication PMID: 35346344, PMCID: PMC8962531

Labcorp Genetics (formerly Invitae), Labcorp
Classification: Likely benign for Catecholaminergic polymorphic ventricular tachycardia 1. Last evaluated: 2024-01-31. Review status: criteria provided, single submitter. Criteria: Invitae Variant Classification Sherloc (09022015). Collection method: clinical testing. Allele origin: germline.

NM_001035.3(RYR2):c.12647C>T (p.Ala4216Val)

Genes: RYR2 (ryanodine receptor 2; plus strand), LOC126806068 (BRD4-independent group 4 enhancer GRCh37_chr1:237947411-237948610; plus strand). Cytogenetic location: 1q43.
Variant type: single nucleotide variant.
Coding change: c.12647C>T on transcript NM_001035.3 (MANE Select); coding-DNA position 12647, C replaced by T.
Protein change: p.Ala4216Val; replaces alanine 4216 with valine.
Molecular consequence: missense variant.
Genome position (GRCh38, 1-based): chr1:237,784,359, C>T. VCF-style: chr1-237784359-C-T. GRCh37 (hg19) VCF-style: chr1-237947659-C-T.
Other names: c.12647C>T (NM_001035.2); short protein forms A4216V.
Identifiers: ClinVar variation 2099802 (VCV002099802.6), dbSNP rs375950722, ClinGen allele CA085207.
Genomic context (GRCh38, chr1:237,784,359, plus strand): 5'-CCATCTTTGAAATGCAGCTGGCGGCTCAGATCTCGGAGTCGGACTTGAACGAGAGGTCAG[C>T]GAATAAGGAAGAAAGCGAGAAGGAGAGGCCGGAAGAGCAGGGGCCGAGGATGGCTTTCTT-3'
Protein context (NP_001026.2, residues 4206-4226): ISESDLNERS[Ala4216Val]NKEESEKERP